The following is an entry in ClinVar:

NM_000052.7(ATP7A):c.2406G>C (p.Lys802Asn)

Gene: ATP7A (ATPase copper transporting alpha; plus strand). Cytogenetic location: Xq21.1.
Variant type: single nucleotide variant.
Coding change: c.2406G>C on transcript NM_000052.7 (MANE Select); coding-DNA position 2406, G replaced by C.
Protein change: p.Lys802Asn; replaces lysine 802 with asparagine.
Molecular consequence: missense variant. On other transcripts: intron variant (1).
Genome position (GRCh38, 1-based): chrX:78,013,112, G>C. VCF-style: chrX-78013112-G-C. GRCh37 (hg19) VCF-style: chrX-77268609-G-C.
Other names: c.2406G>C (NM_000052.6); c.2172+1438G>C (NM_001282224.2); short protein forms K802N.
Identifiers: ClinVar variation 993861 (VCV000993861.9), dbSNP rs2077838704, ClinGen allele CA413599691.

ClinVar aggregate classification (germline): Likely pathogenic. Review status: criteria provided, single submitter (1 of 4 stars). 2 submissions from 2 submitters: Likely pathogenic (1). 1 of the submissions does not count toward it. Last evaluated 2019-12-10.

Conditions:
Menkes kinky-hair syndrome (MNK). Also called: Classic Menkes Disease; Menkes Disease; Copper transport disease. Identifiers: Orphanet 565, MedGen C0022716, MONDO:0010651, OMIM 309400.

Submissions (2):

ARUP Laboratories, Molecular Genetics and Genomics, ARUP Laboratories
Classification: Likely pathogenic. Last evaluated: 2019-12-10. Review status: criteria provided, single submitter. Criteria: ARUP Molecular Germline Variant Investigation Process. Collection method: clinical testing. Allele origin: germline.
Comment: The ATP7A c.2406G>C; p.Lys802Asn variant is reported in the literature in at least one individual affected with Menkes disease (Skjorringe 2012, Skjorringe 2017). This variant is absent from general population databases (Exome Variant Server, Genome Aggregation Database), indicating it is not a common polymorphism. This variant occurs in the last nucleotide of exon 10, and computational analyses (Alamut v.2.11) predict that this variant may impact splicing by weakening the nearby canonical donor splice site. Consistent with these predictions, analysis of patient mRNA shows skipping of exon 10 in nearly all transcripts, which correlates with the loss of protein expression in patient fibroblasts (Skjorringe 2017). Based on available information, this variant is considered to be likely pathogenic. References: Skjorringe T et al. Characterization of ATP7A missense mutants suggests a correlation between intracellular trafficking and severity of Menkes disease. Sci Rep. 2017 Apr 7;7(1):757. Skjorringe T et al. Splice site mutations in the ATP7A gene. PLoS One. 2011 Apr 11;6(4):e18599.

Inherited Neuropathy Consortium Ii, University Of Miami
Classification: Uncertain significance for Menkes kinky-hair syndrome. Last evaluated: 2016-01-06. Review status: no assertion criteria provided. Collection method: literature only. Allele origin: germline. Affected: yes. Not counted in ClinVar's aggregate classification.

Literature cited by the submitters: PubMed 11241493 (cited by Inherited Neuropathy Consortium Ii, University Of Miami).